The following is an entry in ClinVar:

ClinVar aggregate classification (germline): Uncertain significance. Review status: criteria provided, multiple submitters, no conflicts (2 of 4 stars). 2 submissions from 2 submitters: Uncertain significance (2). Last evaluated 2019-01-22.

Conditions:
Hereditary spherocytosis type 3. Also called: SPTA1-Related Spherocytosis; Spherocytosis type 3. Identifiers: Orphanet 822, MedGen C2678338, MONDO:0010053, OMIM 270970.

Submissions (2):

Centre for Mendelian Genomics, University Medical Centre Ljubljana
Classification: Uncertain significance for Hereditary spherocytosis type 3. Last evaluated: 2019-01-22. Review status: criteria provided, single submitter. Criteria: ACMG Guidelines, 2015. Collection method: clinical testing. Allele origin: unknown. Affected: yes.
Comment: This variant was classified as: Uncertain significance. The available evidence on this variant's pathogenicity is insufficient or conflicting. The following ACMG criteria were applied in classifying this variant: PM2,BP4.

Breakthrough Genomics
Classification: Uncertain significance. Review status: criteria provided, single submitter. Criteria: ACMG Guidelines, 2015. Collection method: not provided. Allele origin: germline. Inheritance: Autosomal recessive inheritance. Affected: yes.

NM_003126.4(SPTA1):c.2805+7T>G

Gene: SPTA1 (spectrin alpha, erythrocytic 1; minus strand). Cytogenetic location: 1q23.1.
Variant type: single nucleotide variant.
Coding change: c.2805+7T>G on transcript NM_003126.4 (MANE Select); 7 bases into the intron after coding-DNA position 2805, T replaced by G.
Molecular consequence: intron variant.
Genome position (GRCh38, 1-based): chr1:158,657,470, A>C on the plus strand (T>G on the coding strand, the complement: SPTA1 is on the minus strand). VCF-style: chr1-158657470-A-C. GRCh37 (hg19) VCF-style: chr1-158627260-A-C.
Identifiers: ClinVar variation 930293 (VCV000930293.4), dbSNP rs1652909073, ClinGen allele CA1008229051.
Genomic context (GRCh38, chr1:158,657,470, plus strand): 5'-AACCCTAAATTGATAATTTGGTTGCGTTTGTTGAGGATTCACAATGTTAAACCCACCCCC[A>C]CCTTACCCCAGCTGCTTCTTCATCAGCACCATAGTTAGTATTATCTACAATAGGTTCCTT-3'